The following is an entry in ClinVar:

ClinVar aggregate classification (germline): Uncertain significance (1 of 4 stars; one submission).

Submission:

GeneDx
Classification: Uncertain significance. Last evaluated: 2024-12-20. Review status: criteria provided, single submitter. Criteria: GeneDx Variant Classification Process June 2021. Collection method: clinical testing. Allele origin: germline. Affected: yes.
Comment: Not observed at significant frequency in large population cohorts (gnomAD); In silico analysis supports that this missense variant has a deleterious effect on protein structure/function; Has not been previously published as pathogenic or benign to our knowledge

NM_182641.4(BPTF):c.637C>G (p.Arg213Gly)

Gene: BPTF (bromodomain PHD finger transcription factor; plus strand). Cytogenetic location: 17q24.2.
Variant type: single nucleotide variant.
Coding change: c.637C>G on transcript NM_182641.4 (MANE Select); coding-DNA position 637, C replaced by G.
Protein change: p.Arg213Gly; replaces arginine 213 with glycine.
Molecular consequence: missense variant.
Genome position (GRCh38, 1-based): chr17:67,853,963, C>G. VCF-style: chr17-67853963-C-G. GRCh37 (hg19) VCF-style: chr17-65850079-C-G.
Other names: c.637C>G, p.Arg213Gly (NM_004459.7); short protein forms R213G.
Identifiers: ClinVar variation 3906674 (VCV003906674.1).